The following is an entry in ClinVar:

NM_007294.4(BRCA1):c.*309T>C

Gene: BRCA1 (BRCA1 DNA repair associated; minus strand). Cytogenetic location: 17q21.31.
Variant type: single nucleotide variant.
Coding change: c.*309T>C on transcript NM_007294.4 (MANE Select); 309 bases downstream of the stop codon, T replaced by C.
Molecular consequence: 3 prime UTR variant.
Genome position (GRCh38, 1-based): chr17:43,045,369, A>G on the plus strand (T>C on the coding strand, the complement: BRCA1 is on the minus strand). VCF-style: chr17-43045369-A-G. GRCh37 (hg19) VCF-style: chr17-41197386-A-G.
Other names: c.*309T>C (NM_001407571.1, NM_001407581.1, NM_001407582.1 and 348 more transcripts); c.*415T>C (NM_001407854.1, NM_001407858.1, NM_001407859.1 and 14 more transcripts).
Identifiers: ClinVar variation 2851581 (VCV002851581.3), dbSNP rs2050836783, ClinGen allele CA983864964.
Genomic context (GRCh38, chr17:43,045,369, plus strand): 5'-CTTGAGGCCAAGCCACTCTGTGCTTCCAGCCCTAAGCCAACAACAGCCTGAATAGAAAGA[A>G]TAGGGCTGATAAATAATGAATCAGCATCTTGCTCAATTGGTGGCGTTTAAATGGTTTTAA-3'

ClinVar aggregate classification (germline): Uncertain significance (1 of 4 stars; one submission).

Conditions:
Hereditary breast ovarian cancer syndrome. Also called: Hereditary breast and ovarian cancer syndrome (HBOC); Hereditary breast and ovarian cancer syndrome; Breast and ovarian cancer; BRCA1- and BRCA2-Associated Hereditary Breast and Ovarian Cancer; Hereditary breast and ovarian cancer; Hereditary breast and/or ovarian cancer syndrome. Identifiers: Orphanet 145, MedGen C0677776, MeSH D061325, MONDO:0003582. Disease mechanism: loss of function.

Allele frequency attached by ClinVar (database versions not stated): gnomAD 0.00001; gnomAD exomes 0.00001; TOPMed 0.00001.
gnomAD v4.1: 4 of 603,546 alleles (0.00066%); highest among the groups gnomAD compares: Non-Finnish European, 0.0012%; no homozygotes.

Submission:

Labcorp Genetics (formerly Invitae), Labcorp
Classification: Uncertain significance for Hereditary breast ovarian cancer syndrome. Last evaluated: 2022-11-08. Review status: criteria provided, single submitter. Criteria: Invitae Variant Classification Sherloc (09022015). Collection method: clinical testing. Allele origin: germline.
Comment: This variant occurs in a non-coding region of the BRCA1 gene. It does not change the encoded amino acid sequence of the BRCA1 protein. In summary, the available evidence is currently insufficient to determine the role of this variant in disease. Therefore, it has been classified as a Variant of Uncertain Significance. Experimental studies are conflicting or provide insufficient evidence to determine the effect of this variant on BRCA1 function (PMID: 22753153). Algorithms developed to predict the effect of variants on protein structure and function are not available or were not evaluated for this variant. This variant has not been reported in the literature in individuals affected with BRCA1-related conditions. This variant is not present in population databases (gnomAD no frequency).

Literature cited by the submitters: PubMed 22753153.